The following is an entry in ClinVar:

NM_003105.6(SORL1):c.1420T>C (p.Ser474Pro)

Gene: SORL1 (sortilin related receptor 1; plus strand). Cytogenetic location: 11q24.1.
Variant type: single nucleotide variant.
Coding change: c.1420T>C on transcript NM_003105.6 (MANE Select); coding-DNA position 1420, T replaced by C.
Protein change: p.Ser474Pro; replaces serine 474 with proline.
Molecular consequence: missense variant.
Genome position (GRCh38, 1-based): chr11:121,522,601, T>C. VCF-style: chr11-121522601-T-C. GRCh37 (hg19) VCF-style: chr11-121393310-T-C.
Other names: short protein forms S474P.
Identifiers: ClinVar variation 1491070 (VCV001491070.6), dbSNP rs2134858130, ClinGen allele CA383024462.
Genomic context (GRCh38, chr11:121,522,601, plus strand): 5'-GCATGGTATCATGTGCTGACACTGCCTGAAACTTTGGTTGTATAGCTTTCCCAGGGCTGT[T>C]CCCTTCATCTGGCTCAGCGCCTCAGTCAGCTCCTCAACCTCCAGCTCCGGAGAATGCCCA-3'
Protein context (NP_003096.2, residues 464-484): KINCELSQGC[Ser474Pro]LHLAQRLSQL

ClinVar aggregate classification (germline): Uncertain significance (1 of 4 stars; one submission).

Allele frequency attached by ClinVar (database versions not stated): gnomAD exomes below 0.00001.
gnomAD v4.1: 1 of 1,613,870 alleles (0.000062%); highest among the groups gnomAD compares: Non-Finnish European, 0.000085%; no homozygotes.

Submission:

Labcorp Genetics (formerly Invitae), Labcorp
Classification: Uncertain significance. Last evaluated: 2022-09-06. Review status: criteria provided, single submitter. Criteria: Invitae Variant Classification Sherloc (09022015). Collection method: clinical testing. Allele origin: germline.
Comment: In summary, the available evidence is currently insufficient to determine the role of this variant in disease. Therefore, it has been classified as a Variant of Uncertain Significance. Algorithms developed to predict the effect of missense changes on protein structure and function are either unavailable or do not agree on the potential impact of this missense change (SIFT: "Deleterious"; PolyPhen-2: "Probably Damaging"; Align-GVGD: "Class C15"). ClinVar contains an entry for this variant (Variation ID: 1491070). This variant has not been reported in the literature in individuals affected with SORL1-related conditions. This variant is not present in population databases (gnomAD no frequency). This sequence change replaces serine, which is neutral and polar, with proline, which is neutral and non-polar, at codon 474 of the SORL1 protein (p.Ser474Pro).